The following is an entry in ClinVar:

ClinVar aggregate classification (germline): Uncertain significance (1 of 4 stars; one submission).

Conditions:
Duchenne muscular dystrophy (DMD). Also called: MUSCULAR DYSTROPHY, PSEUDOHYPERTROPHIC PROGRESSIVE, DUCHENNE TYPE; Duchenne Muscular Dystrophy (DMD). Identifiers: Orphanet 98896, MedGen C0013264, MONDO:0010679, OMIM 310200.

gnomAD v4.1: 1 of 1,208,909 alleles (0.000083%); highest among the groups gnomAD compares: East Asian, 0.003%; no homozygotes.

Submission:

Labcorp Genetics (formerly Invitae), Labcorp
Classification: Uncertain significance for Duchenne muscular dystrophy. Last evaluated: 2024-06-03. Review status: criteria provided, single submitter. Criteria: Invitae Variant Classification Sherloc (09022015). Collection method: clinical testing. Allele origin: germline.
Comment: This sequence change replaces glutamine, which is neutral and polar, with glutamic acid, which is acidic and polar, at codon 993 of the DMD protein (p.Gln993Glu). This variant is present in population databases (no rsID available, gnomAD 0.1%). This variant has not been reported in the literature in individuals affected with DMD-related conditions. Advanced modeling of protein sequence and biophysical properties (such as structural, functional, and spatial information, amino acid conservation, physicochemical variation, residue mobility, and thermodynamic stability) performed at Invitae indicates that this missense variant is not expected to disrupt DMD protein function with a negative predictive value of 95%. In summary, the available evidence is currently insufficient to determine the role of this variant in disease. Therefore, it has been classified as a Variant of Uncertain Significance.

NM_004006.3(DMD):c.2977C>G (p.Gln993Glu)

Gene: DMD (dystrophin; minus strand). Cytogenetic location: Xp21.1.
Variant type: single nucleotide variant.
Coding change: c.2977C>G on transcript NM_004006.3 (MANE Select); coding-DNA position 2977, C replaced by G.
Protein change: p.Gln993Glu; replaces glutamine 993 with glutamic acid.
Molecular consequence: missense variant.
Genome position (GRCh38, 1-based): chrX:32,468,683, G>C on the plus strand (C>G on the coding strand, the complement: DMD is on the minus strand). VCF-style: chrX-32468683-G-C. GRCh37 (hg19) VCF-style: chrX-32486800-G-C.
Other names: c.2953C>G, p.Gln985Glu (NM_000109.4); c.2965C>G, p.Gln989Glu (NM_004009.3); c.2608C>G, p.Gln870Glu (NM_004010.3); short protein forms Q870E, Q985E, Q989E, Q993E.
Identifiers: ClinVar variation 3680835 (VCV003680835.2).
Genomic context (GRCh38, chrX:32,468,683, plus strand): 5'-CAGAGGGCGCTTTCTTCGACATCTCTTTCACAGTGGTGCTGAGATAGTATAGGCCACTTT[G>C]TTGCTCTTGCAGAGAACTTTGTAAAGCCTAAAAAACAATTTTTTAAATACATTTACCCTA-3'
Protein context (NP_003997.2, residues 983-1003): QALQSSLQEQ[Gln993Glu]SGLYYLSTTV